The following is an entry in ClinVar:

NC_000009.11:g.(?_135820255)_(135821636_?)del

Variant type: Deletion.
Identifiers: ClinVar variation 3245191 (VCV003245191.1).

ClinVar aggregate classification (germline): Uncertain significance (1 of 4 stars; one submission).

Conditions:
Tuberous sclerosis 1 (TSC1). Identifiers: Orphanet 805, MedGen C1854465, MONDO:0008612, OMIM 191100.

Submission:

Labcorp Genetics (formerly Invitae), Labcorp
Classification: Uncertain significance for Tuberous sclerosis 1. Last evaluated: 2023-12-11. Review status: criteria provided, single submitter. Criteria: Invitae Variant Classification Sherloc (09022015). Collection method: clinical testing. Allele origin: unknown.
Comment: This variant is a gross deletion that occurs in a non-coding region of the TSC1 gene. It does not change the encoded amino acid sequence of the TSC1 protein. This variant has not been reported in the literature in individuals affected with TSC1-related conditions. Experimental studies and prediction algorithms are not available or were not evaluated, and the functional significance of this variant is currently unknown. In summary, the available evidence is currently insufficient to determine the role of this variant in disease. Therefore, it has been classified as a Variant of Uncertain Significance.